The following is an entry in ClinVar:

NM_007294.4(BRCA1):c.4162_4163dup (p.Gln1388fs)

Gene: BRCA1 (BRCA1 DNA repair associated; minus strand). Cytogenetic location: 17q21.31.
Variant type: Duplication.
Coding change: c.4162_4163dup on transcript NM_007294.4 (MANE Select); coding-DNA positions 4162 to 4163, 2 bases duplicated (CA; older notation c.4162_4163dupCA).
Protein change: p.Gln1388fs; shifts the reading frame from glutamine 1388.
Molecular consequence: frameshift variant.
Genome position (GRCh38, 1-based): chr17:43,090,966-43,090,967, TG duplicated on the plus strand (CA on the coding strand, the reverse complement: BRCA1 is on the minus strand). VCF-style (leftmost placement, unchanged base first): chr17-43090965-C-CTG. GRCh37 (hg19) VCF-style: chr17-41242982-C-CTG.
Other names: c.4039_4040dup, p.Gln1347fs (NM_001407939.1, NM_001407648.1, NM_001407664.1 and 19 more transcripts); c.4036_4037dup, p.Gln1346fs (NM_001407940.1, NM_001407941.1, NM_001407649.1 and 11 more transcripts); c.4021_4022dup, p.Gln1341fs (NM_001407942.1, NM_001407944.1, NM_001407945.1 and 29 more transcripts); c.4018_4019dup, p.Gln1340fs (NM_001407943.1, NM_001407740.1, NM_001407741.1 and 20 more transcripts); c.3829_3830dup, p.Gln1277fs (NM_001407946.1, NM_001407947.1, NM_001407948.1 and 6 more transcripts); c.3949_3950dup, p.Gln1317fs (NM_001407571.1, NM_001407853.1, NM_001407894.1 and 9 more transcripts); c.4162_4163dup, p.Gln1388fs (NM_001407581.1, NM_001407582.1, NM_001407583.1 and 30 more transcripts); c.4159_4160dup, p.Gln1387fs (NM_001407587.1, NM_001407590.1, NM_001407591.1 and 22 more transcripts); and 42 more; short protein forms Q1260fs, Q1261fs, Q1299fs, Q1340fs, Q1361fs, Q1385fs, Q1388fs, Q157fs.
Identifiers: ClinVar variation 4215112 (VCV004215112.1).

ClinVar aggregate classification (germline): Pathogenic (1 of 4 stars; one submission).

Conditions:
Hereditary cancer-predisposing syndrome. Also called: Neoplastic Syndromes, Hereditary; Tumor predisposition; Hereditary Cancer Syndrome; Hereditary neoplastic syndrome. Identifiers: Orphanet 140162, MedGen C0027672, MeSH D009386, MONDO:0015356.

Submission:

Ambry Genetics
Classification: Pathogenic for Hereditary cancer-predisposing syndrome. Last evaluated: 2025-08-12. Review status: criteria provided, single submitter. Criteria: Ambry Variant Classification Scheme 2023. Collection method: clinical testing. Allele origin: germline.
Comment: The c.4162_4163dupCA pathogenic mutation, located in coding exon 10 of the BRCA1 gene, results from a duplication of CA at nucleotide position 4162, causing a translational frameshift with a predicted alternate stop codon (p.Q1388Hfs*6). This variant is considered to be rare based on population cohorts in the Genome Aggregation Database (gnomAD). This alteration is expected to result in loss of function by premature protein truncation or nonsense-mediated mRNA decay. As such, this alteration is interpreted as a disease-causing mutation.